The following is an entry in ClinVar:

NM_000199.5(SGSH):c.1360G>A (p.Asp454Asn)

Gene: SGSH (N-sulfoglucosamine sulfohydrolase; minus strand). Cytogenetic location: 17q25.3.
Variant type: single nucleotide variant.
Coding change: c.1360G>A on transcript NM_000199.5 (MANE Select); coding-DNA position 1360, G replaced by A.
Protein change: p.Asp454Asn; replaces aspartic acid 454 with asparagine.
Molecular consequence: missense variant. On other transcripts: 3 prime UTR variant (2), non-coding transcript variant (1).
Genome position (GRCh38, 1-based): chr17:80,210,601, C>T on the plus strand (G>A on the coding strand, the complement: SGSH is on the minus strand). VCF-style: chr17-80210601-C-T. GRCh37 (hg19) VCF-style: chr17-78184400-C-T.
Other names: c.1360G>A (NM_000199.3); c.*447G>A (NM_001352921.3); c.*410G>A (NM_001352922.2); short protein forms D454N.
Identifiers: ClinVar variation 2578803 (VCV002578803.26), dbSNP rs552049399, ClinGen allele CA8817598.

ClinVar aggregate classification (germline): Uncertain significance. Review status: criteria provided, multiple submitters, no conflicts (2 of 4 stars). 2 submissions from 2 submitters: Uncertain significance (2). Last evaluated 2025-02-28.

Conditions:
Inborn genetic diseases. Identifiers: MedGen C0950123, MeSH D030342.

Allele frequency attached by ClinVar (database versions not stated): gnomAD exomes 0.00001; TOPMed 0.00001; ExAC 0.00002; gnomAD 0.00002.
gnomAD v4.1: 17 of 1,613,514 alleles (0.0011%); highest among the groups gnomAD compares: African/African-American, 0.004%; 1 homozygote.

Submissions (2):

Ambry Genetics
Classification: Uncertain significance for Inborn genetic diseases. Last evaluated: 2025-02-28. Review status: criteria provided, single submitter. Criteria: Ambry Variant Classification Scheme 2023. Collection method: clinical testing. Allele origin: germline.

CeGaT Center for Human Genetics Tuebingen
Classification: Uncertain significance. Last evaluated: 2023-07-01. Review status: criteria provided, single submitter. Criteria: CeGaT Center For Human Genetics Tuebingen Variant Classification Criteria Version 2. Collection method: clinical testing. Allele origin: germline. Affected: yes. Observed: 1 variant allele.
Comment: SGSH: PM2